The following is an entry in ClinVar:

ClinVar aggregate classification (germline): Uncertain significance (1 of 4 stars; one submission).

Conditions:
Bethlem myopathy 2 (BTHLM2). Identifiers: Orphanet 536516, Orphanet 610, MedGen C4225313, MONDO:0034022, OMIM 616471.

Allele frequency attached by ClinVar (database versions not stated): gnomAD exomes 0.00001; ExAC 0.00002.
gnomAD v4.1: 3 of 1,613,160 alleles (0.00019%); highest among the groups gnomAD compares: East Asian, 0.0022%; no homozygotes.

Submission:

Neuberg Centre For Genomic Medicine, NCGM
Classification: Uncertain significance for Bethlem myopathy 2. Review status: criteria provided, single submitter. Criteria: ACMG Guidelines, 2015. Collection method: clinical testing. Allele origin: germline. Inheritance: Autosomal dominant inheritance. Affected: yes.
Comment: The missense variant p.D250N in COL12A1 (NM_004370.6) has not been reported previously as a pathogenic variant nor as a benign variant, to our knowledge. The p.Asp250Asn variant is novel (not in any individuals) in 1000 Genomes. There is a small physicochemical difference between aspartic acid and asparagine, which is not likely to impact secondary protein structure as these residues share similar properties. The p.D250N missense variant is predicted to be damaging by both SIFT and PolyPhen2. The aspartic acid residue at codon 250 of COL12A1 is conserved in all mammalian species. The nucleotide c.748 in COL12A1 is predicted conserved by GERP++ and PhyloP across 100 vertebrates. For these reasons, this variant has been classified as Uncertain Significance.

NM_004370.6(COL12A1):c.748G>A (p.Asp250Asn)

Gene: COL12A1 (collagen type XII alpha 1 chain; minus strand). Cytogenetic location: 6q13.
Variant type: single nucleotide variant.
Coding change: c.748G>A on transcript NM_004370.6 (MANE Select); coding-DNA position 748, G replaced by A.
Protein change: p.Asp250Asn; replaces aspartic acid 250 with asparagine.
Molecular consequence: missense variant. On other transcripts: intron variant (2).
Genome position (GRCh38, 1-based): chr6:75,189,292, C>T on the plus strand (G>A on the coding strand, the complement: COL12A1 is on the minus strand). VCF-style: chr6-75189292-C-T. GRCh37 (hg19) VCF-style: chr6-75899008-C-T.
Other names: c.748G>A, p.Asp250Asn (NM_001424113.1, NM_001424114.1, NM_001424115.1); c.73+13428G>A (NM_001424116.1, NM_080645.3); short protein forms D250N.
Identifiers: ClinVar variation 2585433 (VCV002585433.1), dbSNP rs768046164, ClinGen allele CA3894354.